The following is an entry in ClinVar:

ClinVar aggregate classification (germline): Uncertain significance. Review status: criteria provided, multiple submitters, no conflicts (2 of 4 stars). 3 submissions from 3 submitters: Uncertain significance (2). 1 of the submissions does not count toward it. Last evaluated 2025-06-16.

Conditions:
Glycine encephalopathy. Also called: Non-ketotic hyperglycinemia; Nonketotic hyperglycinemia. Identifiers: Orphanet 407, MedGen C0751748, MONDO:0011612, HP:0008288.

Allele frequency attached by ClinVar (database versions not stated): ExAC 0.00001; gnomAD 0.00001; gnomAD exomes 0.00001; TOPMed 0.00002; ESP Exome Variant Server 0.00015.
gnomAD v4.1: 13 of 1,613,486 alleles (0.00081%); highest among the groups gnomAD compares: Admixed American, 0.005%; no homozygotes.

Submissions (3):

Labcorp Genetics (formerly Invitae), Labcorp
Classification: Uncertain significance for Glycine encephalopathy. Last evaluated: 2025-06-16. Review status: criteria provided, single submitter. Criteria: Invitae Variant Classification Sherloc (09022015). Collection method: clinical testing. Allele origin: germline.
Comment: This sequence change replaces arginine, which is basic and polar, with glutamine, which is neutral and polar, at codon 337 of the GLDC protein (p.Arg337Gln). This variant is present in population databases (rs138129131, gnomAD 0.007%). This variant has not been reported in the literature in individuals affected with GLDC-related conditions. ClinVar contains an entry for this variant (Variation ID: 531774). Invitae Evidence Modeling of protein sequence and biophysical properties (such as structural, functional, and spatial information, amino acid conservation, physicochemical variation, residue mobility, and thermodynamic stability) indicates that this missense variant is not expected to disrupt GLDC protein function with a negative predictive value of 80%. In summary, the available evidence is currently insufficient to determine the role of this variant in disease. Therefore, it has been classified as a Variant of Uncertain Significance.

GeneDx
Classification: Uncertain significance. Last evaluated: 2024-10-29. Review status: criteria provided, single submitter. Criteria: GeneDx Variant Classification Process June 2021. Collection method: clinical testing. Allele origin: germline. Affected: yes.
Comment: Not observed at significant frequency in large population cohorts (gnomAD); In silico analysis indicates that this missense variant does not alter protein structure/function; Has not been previously published as pathogenic or benign to our knowledge; This variant is associated with the following publications: (PMID: 33524012)

Natera, Inc.
Classification: Uncertain significance for Non-ketotic hyperglycinemia. Last evaluated: 2019-10-28. Review status: no assertion criteria provided. Collection method: clinical testing. Allele origin: germline. Not counted in ClinVar's aggregate classification.

NM_000170.3(GLDC):c.1010G>A (p.Arg337Gln)

Gene: GLDC (glycine decarboxylase; minus strand). Cytogenetic location: 9p24.1.
Variant type: single nucleotide variant.
Coding change: c.1010G>A on transcript NM_000170.3 (MANE Select); coding-DNA position 1010, G replaced by A.
Protein change: p.Arg337Gln; replaces arginine 337 with glutamine.
Molecular consequence: missense variant.
Genome position (GRCh38, 1-based): chr9:6,604,636, C>T on the plus strand (G>A on the coding strand, the complement: GLDC is on the minus strand). VCF-style: chr9-6604636-C-T. GRCh37 (hg19) VCF-style: chr9-6604636-C-T.
Other names: short protein forms R337Q.
Identifiers: ClinVar variation 531774 (VCV000531774.13), dbSNP rs138129131, ClinGen allele CA4980900.